The following is an entry in ClinVar:

ClinVar aggregate classification (germline): Uncertain significance (1 of 4 stars; one submission).

Conditions:
Curry-Hall syndrome (WAD). Also called: WEYERS ACRODENTAL DYSOSTOSIS. Identifiers: Orphanet 952, MedGen C0457013, MONDO:0008673, OMIM 193530.
Ellis-van Creveld syndrome (EVC). Also called: EVC-Related Ellis-van Creveld Syndrome; EVC2-Related Ellis-van Creveld Syndrome; Chondroectodermal dysplasia; MESOECTODERMAL DYSPLASIA. Identifiers: Orphanet 289, MedGen C0013903, MONDO:0009162, OMIM 225500.

Allele frequency attached by ClinVar (database versions not stated): ExAC 0.00001; TOPMed 0.00001; gnomAD exomes 0.00002.
gnomAD v4.1: 26 of 1,614,162 alleles (0.0016%); highest among the groups gnomAD compares: Non-Finnish European, 0.0022%; no homozygotes.

Submission:

Labcorp Genetics (formerly Invitae), Labcorp
Classification: Uncertain significance for Curry-Hall syndrome; Ellis-van Creveld syndrome. Last evaluated: 2022-09-01. Review status: criteria provided, single submitter. Criteria: Invitae Variant Classification Sherloc (09022015). Collection method: clinical testing. Allele origin: germline.
Comment: This sequence change replaces aspartic acid, which is acidic and polar, with histidine, which is basic and polar, at codon 352 of the EVC2 protein (p.Asp352His). This variant is present in population databases (rs779286784, gnomAD 0.003%). This variant has not been reported in the literature in individuals affected with EVC2-related conditions. Algorithms developed to predict the effect of missense changes on protein structure and function are either unavailable or do not agree on the potential impact of this missense change (SIFT: "Deleterious"; PolyPhen-2: "Probably Damaging"; Align-GVGD: "Class C0"). In summary, the available evidence is currently insufficient to determine the role of this variant in disease. Therefore, it has been classified as a Variant of Uncertain Significance.

NM_147127.5(EVC2):c.1054G>C (p.Asp352His)

Gene: EVC2 (EvC ciliary complex subunit 2; minus strand). Cytogenetic location: 4p16.2.
Variant type: single nucleotide variant.
Coding change: c.1054G>C on transcript NM_147127.5 (MANE Select); coding-DNA position 1054, G replaced by C.
Protein change: p.Asp352His; replaces aspartic acid 352 with histidine.
Molecular consequence: missense variant.
Genome position (GRCh38, 1-based): chr4:5,663,198, C>G on the plus strand (G>C on the coding strand, the complement: EVC2 is on the minus strand). VCF-style: chr4-5663198-C-G. GRCh37 (hg19) VCF-style: chr4-5664925-C-G.
Other names: c.814G>C, p.Asp272His (NM_001166136.2); short protein forms D272H, D352H.
Identifiers: ClinVar variation 1918896 (VCV001918896.2), dbSNP rs779286784, ClinGen allele CA2835168.